The following is an entry in ClinVar:

NM_015001.3(SPEN):c.4636C>A (p.Leu1546Ile)

Gene: SPEN (spen family transcriptional repressor; plus strand). Cytogenetic location: 1p36.13.
Variant type: single nucleotide variant.
Coding change: c.4636C>A on transcript NM_015001.3 (MANE Select); coding-DNA position 4636, C replaced by A.
Protein change: p.Leu1546Ile; replaces leucine 1546 with isoleucine.
Molecular consequence: missense variant.
Genome position (GRCh38, 1-based): chr1:15,930,876, C>A. VCF-style: chr1-15930876-C-A. GRCh37 (hg19) VCF-style: chr1-16257371-C-A.
Other names: short protein forms L1546I.
Identifiers: ClinVar variation 1698149 (VCV001698149.2), dbSNP rs2148739589, ClinGen allele CA338616456.

ClinVar aggregate classification (germline): Uncertain significance (1 of 4 stars; one submission).

Submission:

GeneDx
Classification: Uncertain significance. Last evaluated: 2022-01-19. Review status: criteria provided, single submitter. Criteria: GeneDx Variant Classification Process June 2021. Collection method: clinical testing. Allele origin: germline. Affected: yes.
Comment: Not observed at significant frequency in large population cohorts (gnomAD); In silico analysis supports that this missense variant does not alter protein structure/function; Has not been previously published as pathogenic or benign to our knowledge